The following is an entry in ClinVar:

ClinVar aggregate classification (germline): Likely pathogenic (3 of 4 stars; one submission).

Conditions:
GUCY2D-related recessive retinopathy. Also called: Recessive GUCY2D retinopathy. Identifiers: MedGen CN305603, MONDO:0100453.

gnomAD v4.1: 1 of 1,613,264 alleles (0.000062%); highest among the groups gnomAD compares: Non-Finnish European, 0.000085%; no homozygotes.

Submission:

ClinGen Leber Congenital Amaurosis/early Onset Retinal Dystrophy Variant Curation Expert Panel, ClinGen
Classification: Likely pathogenic for GUCY2D-related recessive retinopathy. Last evaluated: 2025-01-31. Review status: reviewed by expert panel. Criteria: ClinGen LCAeoRD ACMG Specifications GUCY2D V1.0.0. Collection method: curation. Allele origin: germline. Inheritance: Autosomal recessive inheritance.
Comment: NM_000180.4(GUCY2D):c.2833C>T (p.His945Tyr) is a missense variant that replaces histidine with tyrosine at position p.945, which is located within the guanylate cyclase catalytic domain that exhibits intolerance to missense variation (PM1_Supporting). This variant is present in gnomAD v.4.1.0 at a total allele frequency of 6.199e-7, with 1 allele /1613264 total alleles, which is lower than the ClinGen LCA/eoRD VCEP PM2_Supporting threshold of <0.0004 (PM2_Supporting). This variant has been reported in at least 1 proband with early-onset severe retinal dystrophy who was compound heterozygous with the NM_000180.4(GUCY2D):c.2927G>T (p.Arg976Leu) variant confirmed in trans, which was previously classified likely pathogenic by the ClinGen LCA/eoRD VCEP (1 total point, PMID: 17525851, PM3). At least one proband harboring this variant exhibits a phenotype including diagnosis of Leber congenital amaurosis (0.5 pts), severely reduced vision (1 pt) with onset from birth (1 pt), nystagmus (1 pt), unremarkable fundus, irregular pigmentation (0.5 pts), hypermetropia, electroretinogram responses below the detection limit from both rods (0.5 pts) and cones (1 pt), and macular atrophy, which together are specific for GUCY2D-related recessive retinopathy (total 5.5 points, PMID: 17525851, PP4). The computational predictor REVEL gives a score of 0.975, which is above the ClinGen LCA / eoRD VCEP threshold of ≥0.773 and predicts a damaging effect on RETGC-1 protein function (PP3_Moderate). The splicing impact predictor SpliceAI gives a score of 0, which is below the ClinGen LCA/eoRD VCEP recommended threshold of ≥0.2 and does not strongly predict an impact on splicing. In summary, this variant meets the criteria to be classified as likely pathogenic for GUCY2D-related recessive retinopathy based on the ACMG/AMP criteria applied, as specified by the ClinGen LCA/eoRD VCEP: PM1_Supporting, PM2_Supporting, PM3, PP4, and PP3_Moderate. (VCEP specifications version 1.0.0; date of approval 01/22/2025).

NM_000180.4(GUCY2D):c.2833C>T (p.His945Tyr)

Gene: GUCY2D (guanylate cyclase 2D, retinal; plus strand). Cytogenetic location: 17p13.1.
Variant type: single nucleotide variant.
Coding change: c.2833C>T on transcript NM_000180.4 (MANE Select); coding-DNA position 2833, C replaced by T.
Protein change: p.His945Tyr; replaces histidine 945 with tyrosine.
Molecular consequence: missense variant.
Genome position (GRCh38, 1-based): chr17:8,015,391, C>T. VCF-style: chr17-8015391-C-T. GRCh37 (hg19) VCF-style: chr17-7918709-C-T.
Other names: NM_000180.4:c.2833C>T; short protein forms H945Y.
Identifiers: ClinVar variation 3602089 (VCV003602089.1).